The following is an entry in ClinVar:

ClinVar aggregate classification (germline): Uncertain significance (1 of 4 stars; one submission).

gnomAD v4.1: 2 of 1,588,708 alleles (0.00013%); highest among the groups gnomAD compares: Admixed American, 0.0018%; no homozygotes.

Submission:

GeneDx
Classification: Uncertain significance. Last evaluated: 2024-01-10. Review status: criteria provided, single submitter. Criteria: GeneDx Variant Classification Process June 2021. Collection method: clinical testing. Allele origin: germline. Affected: yes.
Comment: Not observed at significant frequency in large population cohorts (gnomAD); In silico analysis supports that this missense variant has a deleterious effect on protein structure/function; Has not been previously published as pathogenic or benign to our knowledge

NM_003737.4(DCHS1):c.8384C>T (p.Ala2795Val)

Gene: DCHS1 (dachsous cadherin-related 1; minus strand). Cytogenetic location: 11p15.4.
Variant type: single nucleotide variant.
Coding change: c.8384C>T on transcript NM_003737.4 (MANE Select); coding-DNA position 8384, C replaced by T.
Protein change: p.Ala2795Val; replaces alanine 2795 with valine.
Molecular consequence: missense variant.
Genome position (GRCh38, 1-based): chr11:6,623,292, G>A on the plus strand (C>T on the coding strand, the complement: DCHS1 is on the minus strand). VCF-style: chr11-6623292-G-A. GRCh37 (hg19) VCF-style: chr11-6644523-G-A.
Other names: short protein forms A2795V.
Identifiers: ClinVar variation 3367790 (VCV003367790.1).
Genomic context (GRCh38, chr11:6,623,292, plus strand): 5'-GCCAGAAATACAGGGTCATACTCATCCTCTCCAGTCACTAGCACCGACACAGTGACAGAG[G>A]CTGAGAGATTCCCAGCATCAGCAGCACCCACCAGCAGCCGGAAGCTTTCTGTGTGCTCAT-3'
Protein context (NP_003728.1, residues 2785-2805): VGAADAGNLS[Ala2795Val]SVTVSVLVTG